The following is an entry in ClinVar:

NM_000384.3(APOB):c.13648C>A (p.Pro4550Thr)

Genes: APOB (apolipoprotein B; minus strand), APOB3'MAR (APOB 3' scaffold/matrix attachment region; plus strand). Cytogenetic location: 2p24.1.
Variant type: single nucleotide variant.
Coding change: c.13648C>A on transcript NM_000384.3 (MANE Select); coding-DNA position 13648, C replaced by A.
Protein change: p.Pro4550Thr; replaces proline 4550 with threonine.
Molecular consequence: missense variant.
Genome position (GRCh38, 1-based): chr2:21,001,774, G>T on the plus strand (C>A on the coding strand, the complement: APOB is on the minus strand). VCF-style: chr2-21001774-G-T. GRCh37 (hg19) VCF-style: chr2-21224646-G-T.
Other names: short protein forms P4550T.
Identifiers: ClinVar variation 925318 (VCV000925318.5), dbSNP rs1191443988, ClinGen allele CA345966790.

ClinVar aggregate classification (germline): Uncertain significance. Review status: criteria provided, multiple submitters, no conflicts (2 of 4 stars). 2 submissions from 2 submitters: Uncertain significance (2). Last evaluated 2024-06-11.

Conditions:
Familial hypobetalipoproteinemia 1. Also called: Hypobetalipoproteinemia, normotriglyceridemic; Acanthocytosis with hypobetalipoproteinemia; APOB-Related Familial Hypobetalipoproteinemia. Identifiers: MedGen C4551990, MONDO:0014252, OMIM 615558.
Hypercholesterolemia, autosomal dominant, type B (FHCL2). Also called: Familial Hypercholesterolemia Type B; HYPERCHOLESTEROLEMIA, FAMILIAL, DUE TO LIGAND-DEFECTIVE APOLIPOPROTEIN B; Familial hypercholesterolemia 2; APOB-Related Familial Hypercholesterolemia, Autosomal Dominant; APOLIPOPROTEIN B-100, FAMILIAL DEFECTIVE; APOLIPOPROTEIN B-100, FAMILIAL LIGAND-DEFECTIVE. Identifiers: MedGen C1704417, MONDO:0007751, OMIM 144010.
Familial hypercholesterolemia. Also called: Familial hypercholesterolemias; Familial hypercholesterolaemia. Identifiers: MedGen C0020445, MONDO:0005439.

Submissions (2):

Labcorp Genetics (formerly Invitae), Labcorp
Classification: Uncertain significance for Familial hypobetalipoproteinemia 1; Hypercholesterolemia, autosomal dominant, type B. Last evaluated: 2024-06-11. Review status: criteria provided, single submitter. Criteria: Invitae Variant Classification Sherloc (09022015). Collection method: clinical testing. Allele origin: germline.
Comment: This sequence change replaces proline, which is neutral and non-polar, with threonine, which is neutral and polar, at codon 4550 of the APOB protein (p.Pro4550Thr). This variant is not present in population databases (gnomAD no frequency). This variant has not been reported in the literature in individuals affected with APOB-related conditions. ClinVar contains an entry for this variant (Variation ID: 925318). Advanced modeling of protein sequence and biophysical properties (such as structural, functional, and spatial information, amino acid conservation, physicochemical variation, residue mobility, and thermodynamic stability) performed at Invitae indicates that this missense variant is not expected to disrupt APOB protein function with a negative predictive value of 95%. In summary, the available evidence is currently insufficient to determine the role of this variant in disease. Therefore, it has been classified as a Variant of Uncertain Significance.

Color Diagnostics, LLC DBA Color Health
Classification: Uncertain significance for Familial hypercholesterolemia. Last evaluated: 2018-11-11. Review status: criteria provided, single submitter. Criteria: ACMG Guidelines, 2015. Collection method: clinical testing. Allele origin: germline.
Comment: Variant of Uncertain Significance due to insufficient evidence: This missense variant (also known as p.Pro4523Thr in the mature protein) is located in the alpha 3 domain of the APOB protein. Computational prediction tools and conservation analyses suggest that this variant may not impact the protein function. Computational splicing tools suggest that this variant may not impact RNA splicing. To our knowledge, functional assays have not been performed for this variant nor has this variant been reported in individuals affected with familial hypercholesterolemia in the literature. This variant is rare in the general population and has been identified in 0/277264 chromosomes by the Genome Aggregation Database (gnomAD). Available evidence is insufficient to determine the pathogenicity of this variant conclusively.